The following is an entry in ClinVar:

NM_005216.5(DDOST):c.353-11G>C

Gene: DDOST (dolichyl-diphosphooligosaccharide--protein glycosyltransferase non-catalytic subunit; minus strand). Cytogenetic location: 1p36.12.
Variant type: single nucleotide variant.
Coding change: c.353-11G>C on transcript NM_005216.5 (MANE Select); 11 bases into the intron before coding-DNA position 353, G replaced by C.
Molecular consequence: intron variant.
Genome position (GRCh38, 1-based): chr1:20,655,790, C>G on the plus strand (G>C on the coding strand, the complement: DDOST is on the minus strand). VCF-style: chr1-20655790-C-G. GRCh37 (hg19) VCF-style: chr1-20982283-C-G.
Identifiers: ClinVar variation 381846 (VCV000381846.9), dbSNP rs202107268, ClinGen allele CA661262.

ClinVar aggregate classification (germline): Benign/Likely benign. Review status: criteria provided, multiple submitters, no conflicts (2 of 4 stars). 2 submissions from 2 submitters: Benign (1); Likely benign (1). Last evaluated 2026-01-12.

Conditions:
Congenital disorder of glycosylation type Ir (CDG1R). Also called: DDOST-congenital disorder of glycosylation. Identifiers: Orphanet 300536, MedGen C3281084, MONDO:0013789, OMIM 614507.

Allele frequency attached by ClinVar (database versions not stated): ExAC 0.00061; gnomAD 0.00182; 1000 Genomes Project 0.00200; TOPMed 0.00201; 1000 Genomes Project 30x 0.00219; ESP Exome Variant Server 0.00284.
gnomAD v4.1: 564 of 1,611,322 alleles (0.035%); highest among the groups gnomAD compares: African/African-American, 0.65%; 2 homozygotes.

Submissions (2):

Labcorp Genetics (formerly Invitae), Labcorp
Classification: Benign for Congenital disorder of glycosylation type Ir. Last evaluated: 2026-01-12. Review status: criteria provided, single submitter. Criteria: Invitae Variant Classification Sherloc (09022015). Collection method: clinical testing. Allele origin: germline.

GeneDx
Classification: Likely benign. Last evaluated: 2016-01-28. Review status: criteria provided, single submitter. Criteria: GeneDx Variant Classification (06012015). Collection method: clinical testing. Allele origin: germline. Affected: yes.
Comment: This variant is considered likely benign or benign based on one or more of the following criteria: it is a conservative change, it occurs at a poorly conserved position in the protein, it is predicted to be benign by multiple in silico algorithms, and/or has population frequency not consistent with disease.